The following is an entry in ClinVar:

NM_138481.2(CHADL):c.771G>A (p.Arg257=)

Gene: CHADL (chondroadherin like; minus strand). Cytogenetic location: 22q13.2.
Variant type: single nucleotide variant.
Coding change: c.771G>A on transcript NM_138481.2 (MANE Select); coding-DNA position 771, G replaced by A.
Protein change: p.Arg257=; no amino-acid change (arginine 257 retained).
Molecular consequence: synonymous variant.
Genome position (GRCh38, 1-based): chr22:41,238,301, C>T on the plus strand (G>A on the coding strand, the complement: CHADL is on the minus strand). VCF-style: chr22-41238301-C-T. GRCh37 (hg19) VCF-style: chr22-41634305-C-T.
Identifiers: ClinVar variation 2653224 (VCV002653224.24), dbSNP rs112498469, ClinGen allele CA10254971.

ClinVar aggregate classification (germline): Likely benign (1 of 4 stars; one submission).

Allele frequency attached by ClinVar (database versions not stated): 1000 Genomes Project 0.00040; 1000 Genomes Project 30x 0.00078; ExAC 0.00082; TOPMed 0.00207; gnomAD 0.00219; gnomAD exomes 0.00329.

Submission:

CeGaT Center for Human Genetics Tuebingen
Classification: Likely benign. Last evaluated: 2023-05-01. Review status: criteria provided, single submitter. Criteria: CeGaT Center For Human Genetics Tuebingen Variant Classification Criteria Version 2. Collection method: clinical testing. Allele origin: germline. Affected: yes. Observed: 1 variant allele.
Comment: CHADL: BP4, BP7, BS2